The following is an entry in ClinVar:

NM_005591.4(MRE11):c.517A>G (p.Ser173Gly)

Gene: MRE11 (MRE11 double strand break repair nuclease; minus strand). Cytogenetic location: 11q21.
Variant type: single nucleotide variant.
Coding change: c.517A>G on transcript NM_005591.4 (MANE Select); coding-DNA position 517, A replaced by G.
Protein change: p.Ser173Gly; replaces serine 173 with glycine.
Molecular consequence: missense variant. On other transcripts: intron variant (3).
Genome position (GRCh38, 1-based): chr11:94,478,762, T>C on the plus strand (A>G on the coding strand, the complement: MRE11 is on the minus strand). VCF-style: chr11-94478762-T-C. GRCh37 (hg19) VCF-style: chr11-94211928-T-C.
Other names: c.517A>G, p.Ser173Gly (NM_001330347.2, NM_001440460.1, NM_001440461.1 and 18 more transcripts); c.442A>G, p.Ser148Gly (NM_001440471.1, NM_001440472.1, NM_001440479.1); c.49A>G, p.Ser17Gly (NM_001440485.1, NM_001440486.1, NM_001440487.1); c.315-7003A>G (NM_001440483.1, NM_001440484.1, NM_001440482.1); short protein forms S148G, S17G, S173G.
Identifiers: ClinVar variation 4651183 (VCV004651183.1).

ClinVar aggregate classification (germline): Uncertain significance (1 of 4 stars; one submission).

Conditions:
Hereditary cancer-predisposing syndrome. Also called: Neoplastic Syndromes, Hereditary; Tumor predisposition; Hereditary Cancer Syndrome; Hereditary neoplastic syndrome. Identifiers: Orphanet 140162, MedGen C0027672, MeSH D009386, MONDO:0015356.

Submission:

Ambry Genetics
Classification: Uncertain significance for Hereditary cancer-predisposing syndrome. Last evaluated: 2025-11-23. Review status: criteria provided, single submitter. Criteria: Ambry Variant Classification Scheme 2023. Collection method: clinical testing. Allele origin: germline.
Comment: The p.S173G variant (also known as c.517A>G), located in coding exon 5 of the MRE11A gene, results from an A to G substitution at nucleotide position 517. The serine at codon 173 is replaced by glycine, an amino acid with similar properties. This amino acid position is conserved. In addition, this alteration is predicted to be tolerated by in silico analysis. Based on the available evidence, the clinical significance of this variant remains unclear.